The following is an entry in ClinVar:

ClinVar aggregate classification (germline): Conflicting classifications of pathogenicity. Review status: criteria provided, conflicting classifications (1 of 4 stars). 2 submissions from 2 submitters: Uncertain significance (1); Likely benign (1). Last evaluated 2023-03-23.

Conditions:
Hereditary cancer-predisposing syndrome. Also called: Hereditary neoplastic syndrome; Neoplastic Syndromes, Hereditary; Hereditary Cancer Syndrome; Tumor predisposition. Identifiers: Orphanet 140162, MedGen C0027672, MeSH D009386, MONDO:0015356.
Hereditary breast ovarian cancer syndrome. Also called: BRCA1- and BRCA2-Associated Hereditary Breast and Ovarian Cancer; Hereditary breast and ovarian cancer syndrome (HBOC); Hereditary breast and/or ovarian cancer syndrome; Hereditary breast and ovarian cancer syndrome; Hereditary breast and ovarian cancer; Breast and ovarian cancer. Identifiers: Orphanet 145, MedGen C0677776, MeSH D061325, MONDO:0003582. Disease mechanism: loss of function.

Submissions (2):

University of Washington Department of Laboratory Medicine, University of Washington
Classification: Likely benign for Hereditary cancer-predisposing syndrome. Last evaluated: 2023-03-23. Review status: criteria provided, single submitter. Criteria: Dines et al. (Genet Med. 2020). Collection method: curation. Allele origin: germline.
Comment: Missense variant in a coldspot region where missense variants are very unlikely to be pathogenic (PMID:31911673).

BRCA2 exon 11 coldspot. Reclassification based on statistical prior probability.

Labcorp Genetics (formerly Invitae), Labcorp
Classification: Uncertain significance for Hereditary breast ovarian cancer syndrome. Last evaluated: 2022-09-20. Review status: criteria provided, single submitter. Criteria: Invitae Variant Classification Sherloc (09022015). Collection method: clinical testing. Allele origin: germline.
Comment: This sequence change replaces asparagine, which is neutral and polar, with serine, which is neutral and polar, at codon 1002 of the BRCA2 protein (p.Asn1002Ser). This variant is not present in population databases (gnomAD no frequency). This variant has not been reported in the literature in individuals affected with BRCA2-related conditions. Advanced modeling of protein sequence and biophysical properties (such as structural, functional, and spatial information, amino acid conservation, physicochemical variation, residue mobility, and thermodynamic stability) performed at Invitae indicates that this missense variant is not expected to disrupt BRCA2 protein function. In summary, the available evidence is currently insufficient to determine the role of this variant in disease. Therefore, it has been classified as a Variant of Uncertain Significance.

NM_000059.4(BRCA2):c.3005A>G (p.Asn1002Ser)

Gene: BRCA2 (BRCA2 DNA repair associated; plus strand). Cytogenetic location: 13q13.1.
Variant type: single nucleotide variant.
Coding change: c.3005A>G on transcript NM_000059.4 (MANE Select); coding-DNA position 3005, A replaced by G.
Protein change: p.Asn1002Ser; replaces asparagine 1002 with serine.
Molecular consequence: missense variant.
Genome position (GRCh38, 1-based): chr13:32,337,360, A>G. VCF-style: chr13-32337360-A-G. GRCh37 (hg19) VCF-style: chr13-32911497-A-G.
Other names: c.3005A>G, p.Asn1002Ser (NM_001406719.1, NM_001406720.1); short protein forms N1002S.
Identifiers: ClinVar variation 1719852 (VCV001719852.7), dbSNP rs730881518, ClinGen allele CA387774699.